The following is an entry in ClinVar:

ClinVar aggregate classification (germline): Uncertain significance (1 of 4 stars; one submission).

Submission:

Labcorp Genetics (formerly Invitae), Labcorp
Classification: Uncertain significance. Last evaluated: 2024-05-06. Review status: criteria provided, single submitter. Criteria: Invitae Variant Classification Sherloc (09022015). Collection method: clinical testing. Allele origin: germline.
Comment: This sequence change replaces tyrosine, which is neutral and polar, with cysteine, which is neutral and slightly polar, at codon 1011 of the MSH3 protein (p.Tyr1011Cys). This variant is not present in population databases (gnomAD no frequency). This variant has not been reported in the literature in individuals affected with MSH3-related conditions. ClinVar contains an entry for this variant (Variation ID: 1036091). An algorithm developed to predict the effect of missense changes on protein structure and function (PolyPhen-2) suggests that this variant is likely to be disruptive. In summary, the available evidence is currently insufficient to determine the role of this variant in disease. Therefore, it has been classified as a Variant of Uncertain Significance.

NM_002439.5(MSH3):c.3032A>G (p.Tyr1011Cys)

Gene: MSH3 (mutS homolog 3; plus strand). Cytogenetic location: 5q14.1.
Variant type: single nucleotide variant.
Coding change: c.3032A>G on transcript NM_002439.5 (MANE Select); coding-DNA position 3032, A replaced by G.
Protein change: p.Tyr1011Cys; replaces tyrosine 1011 with cysteine.
Molecular consequence: missense variant.
Genome position (GRCh38, 1-based): chr5:80,864,844, A>G. VCF-style: chr5-80864844-A-G. GRCh37 (hg19) VCF-style: chr5-80160663-A-G.
Other names: short protein forms Y1011C.
Identifiers: ClinVar variation 1036091 (VCV001036091.9), dbSNP rs1200660969, ClinGen allele CA360346151.